The following is an entry in ClinVar:

ClinVar aggregate classification (germline): Uncertain significance. Review status: criteria provided, multiple submitters, no conflicts (2 of 4 stars). 5 submissions from 5 submitters: Uncertain significance (4). 1 of the submissions does not count toward it. Last evaluated 2026-01-18.

Conditions:
Mucopolysaccharidosis, MPS-III-C (MPS3C). Also called: MPS IIIC (Sanfilippo Syndrome Type C); MUCOPOLYSACCHARIDOSIS, TYPE IIIC; Mucopolysaccharidosis type IIIC (Sanfilippo C); mucopolysaccharidosis type 3C; SANFILIPPO SYNDROME C; MPS III C. Identifiers: Orphanet 581, Orphanet 79271, MedGen C0086649, MONDO:0009657, OMIM 252930.
Retinitis pigmentosa 73 (RP73). Identifiers: Orphanet 791, MedGen C4225287, MONDO:0014687, OMIM 616544.

Allele frequency attached by ClinVar (database versions not stated): gnomAD 0.00003 and 0.00002; ESP Exome Variant Server 0.00008; TOPMed 0.00005.
gnomAD v4.1: 48 of 1,613,820 alleles (0.003%); highest among the groups gnomAD compares: African/African-American, 0.016%; no homozygotes.

Submissions (5):

Labcorp Genetics (formerly Invitae), Labcorp
Classification: Uncertain significance for Retinitis pigmentosa 73; Mucopolysaccharidosis, MPS-III-C. Last evaluated: 2026-01-18. Review status: criteria provided, single submitter. Criteria: Invitae Variant Classification Sherloc (09022015). Collection method: clinical testing. Allele origin: germline.
Comment: This sequence change replaces threonine, which is neutral and polar, with methionine, which is neutral and non-polar, at codon 545 of the HGSNAT protein (p.Thr545Met). This variant is present in population databases (rs377050184, gnomAD 0.007%). This variant has not been reported in the literature in individuals affected with HGSNAT-related conditions. ClinVar contains an entry for this variant (Variation ID: 965207). Invitae Evidence Modeling of protein sequence and biophysical properties (such as structural, functional, and spatial information, amino acid conservation, physicochemical variation, residue mobility, and thermodynamic stability) has been performed for this missense variant. However, the output from this modeling did not meet the statistical confidence thresholds required to predict the impact of this variant on HGSNAT protein function. In summary, the available evidence is currently insufficient to determine the role of this variant in disease. Therefore, it has been classified as a Variant of Uncertain Significance.

GeneDx
Classification: Uncertain significance. Last evaluated: 2023-12-12. Review status: criteria provided, single submitter. Criteria: GeneDx Variant Classification Process June 2021. Collection method: clinical testing. Allele origin: germline. Affected: yes.
Comment: Has not been previously published as pathogenic or benign to our knowledge; Not observed at significant frequency in large population cohorts (gnomAD); In silico analysis supports that this missense variant has a deleterious effect on protein structure/function

Blueprint Genetics
Classification: Uncertain significance. Last evaluated: 2022-05-17. Review status: criteria provided, single submitter. Criteria: ACMG Guidelines, 2015. Collection method: clinical testing. Allele origin: germline.

Fulgent Genetics
Classification: Uncertain significance for Mucopolysaccharidosis, MPS-III-C; Retinitis pigmentosa 73. Last evaluated: 2021-10-20. Review status: criteria provided, single submitter. Criteria: ACMG Guidelines, 2015. Collection method: clinical testing. Allele origin: unknown.

Natera, Inc.
Classification: Uncertain significance for Mucopolysaccharidosis type IIIC. Last evaluated: 2020-05-19. Review status: no assertion criteria provided. Collection method: clinical testing. Allele origin: germline. Not counted in ClinVar's aggregate classification.

NM_152419.3(HGSNAT):c.1634C>T (p.Thr545Met)

Gene: HGSNAT (heparan-alpha-glucosaminide N-acetyltransferase; plus strand). Cytogenetic location: 8p11.21.
Variant type: single nucleotide variant.
Coding change: c.1634C>T on transcript NM_152419.3 (MANE Select); coding-DNA position 1634, C replaced by T.
Protein change: p.Thr545Met; replaces threonine 545 with methionine.
Molecular consequence: missense variant.
Genome position (GRCh38, 1-based): chr8:43,197,860, C>T. VCF-style: chr8-43197860-C-T. GRCh37 (hg19) VCF-style: chr8-43053003-C-T.
Other names: c.1721C>T, p.Thr574Met (NM_001363227.2); c.1442C>T, p.Thr481Met (NM_001363228.2); c.770C>T, p.Thr257Met (NM_001363229.2); short protein forms T257M, T545M, T481M, T574M.
Identifiers: ClinVar variation 965207 (VCV000965207.8), dbSNP rs377050184, ClinGen allele CA4736987.